The following is an entry in ClinVar:

NM_000138.5(FBN1):c.2260T>C (p.Tyr754His)

Gene: FBN1 (fibrillin 1; minus strand). Cytogenetic location: 15q21.1.
Variant type: single nucleotide variant.
Coding change: c.2260T>C on transcript NM_000138.5 (MANE Select); coding-DNA position 2260, T replaced by C.
Protein change: p.Tyr754His; replaces tyrosine 754 with histidine.
Molecular consequence: missense variant.
Genome position (GRCh38, 1-based): chr15:48,497,299, A>G on the plus strand (T>C on the coding strand, the complement: FBN1 is on the minus strand). VCF-style: chr15-48497299-A-G. GRCh37 (hg19) VCF-style: chr15-48789496-A-G.
Other names: c.2260T>C, p.Tyr754His (NM_001406716.1); short protein forms Y754H.
Identifiers: ClinVar variation 3340207 (VCV003340207.2).

ClinVar aggregate classification (germline): Uncertain significance. Review status: criteria provided, multiple submitters, no conflicts (2 of 4 stars). 2 submissions from 2 submitters: Uncertain significance (2). Last evaluated 2024-07-10.

Conditions:
Marfan syndrome (MFS). Also called: MARFAN SYNDROME, TYPE I; Marfan syndrome type 1; Marfan's syndrome; Marfan syndrome, classic; FBN1-Related Marfan Syndrome. Identifiers: Orphanet 284963, Orphanet 558, MedGen C0024796, MONDO:0007947, OMIM 154700.

gnomAD v4.1: 1 of 1,614,072 alleles (0.000062%); highest among the groups gnomAD compares: Non-Finnish European, 0.000085%; no homozygotes.

Submissions (2):

All of Us Research Program, National Institutes of Health
Classification: Uncertain significance for Marfan syndrome. Last evaluated: 2024-07-10. Review status: criteria provided, single submitter. Criteria: ACMG Guidelines, 2015. Collection method: clinical testing. Allele origin: germline. Inheritance: Autosomal dominant inheritance. Observed: 1 variant allele, 1 heterozygote.
Comment: This missense variant replaces tyrosine with histidine at codon 754 of the FBN1 protein. Computational prediction tools indicate that this variant has a deleterious impact on protein structure and function. To our knowledge, functional studies have not been reported for this variant. This variant has been reported in an individual affected with abdominal aortic aneurysm (PMID: 26017485). This variant has not been identified in the general population by the Genome Aggregation Database (gnomAD). The available evidence is insufficient to determine the role of this variant in disease conclusively. Therefore, this variant is classified as a Variant of Uncertain Significance.

This study involves interpretation of variants in research participants for the purpose of population health screening. Participant phenotype was not available at the time of variant classification. Additional details can be found in publication PMID: 35346344, PMCID: PMC8962531

GeneDx
Classification: Uncertain significance. Last evaluated: 2023-10-17. Review status: criteria provided, single submitter. Criteria: GeneDx Variant Classification Process June 2021. Collection method: clinical testing. Allele origin: germline. Affected: yes.
Comment: Not observed at significant frequency in large population cohorts (gnomAD); In silico analysis supports that this missense variant has a deleterious effect on protein structure/function; This variant is associated with the following publications: (PMID: 26017485)

Literature cited by the submitters: PubMed 26017485 (cited by All of Us Research Program, National Institutes of Health).